The following is an entry in ClinVar:

ClinVar aggregate classification (germline): Uncertain significance (1 of 4 stars; one submission).

Allele frequency attached by ClinVar (database versions not stated): TOPMed 0.00001.

Submission:

Ambry Genetics
Classification: Uncertain significance. Last evaluated: 2024-02-22. Review status: criteria provided, single submitter. Criteria: Ambry Variant Classification Scheme 2023. Collection method: clinical testing. Allele origin: germline.
Comment: The p.S561R variant (also known as c.1681A>C), located in coding exon 15 of the RAD54L gene, results from an A to C substitution at nucleotide position 1681. The serine at codon 561 is replaced by arginine, an amino acid with dissimilar properties. This amino acid position is conserved. In addition, this alteration is predicted to be tolerated by in silico analysis. Since supporting evidence is limited at this time, the clinical significance of this alteration remains unclear.

NM_003579.4(RAD54L):c.1681A>C (p.Ser561Arg)

Gene: RAD54L (RAD54 like; plus strand). Cytogenetic location: 1p34.1.
Variant type: single nucleotide variant.
Coding change: c.1681A>C on transcript NM_003579.4 (MANE Select); coding-DNA position 1681, A replaced by C.
Protein change: p.Ser561Arg; replaces serine 561 with arginine.
Molecular consequence: missense variant.
Genome position (GRCh38, 1-based): chr1:46,274,208, A>C. VCF-style: chr1-46274208-A-C. GRCh37 (hg19) VCF-style: chr1-46739880-A-C.
Other names: c.1681A>C, p.Ser561Arg (NM_001142548.2); c.1141A>C, p.Ser381Arg (NM_001370766.1); short protein forms S381R, S561R.
Identifiers: ClinVar variation 1777916 (VCV001777916.2), dbSNP rs1660525804, ClinGen allele CA340183729.
Genomic context (GRCh38, chr1:46,274,208, plus strand): 5'-GTCCGCCTGGATGGCACGATGTCCATTAAGAAGCGAGCCAAGGTTGTAGAACGCTTCAAT[A>C]GTCCATCGGTAAATGCACATCCCCGTCCCCACACCACCAATGCAGTATCATCAGAATTAA-3'
Protein context (NP_003570.2, residues 551-571): KRAKVVERFN[Ser561Arg]PSSPDFVFML